The following is an entry in ClinVar:

ClinVar aggregate classification (germline): Uncertain significance (1 of 4 stars; one submission).

Allele frequency attached by ClinVar (database versions not stated): gnomAD exomes 0.00002; gnomAD 0.00003; TOPMed 0.00004; ExAC 0.00007; ESP Exome Variant Server 0.00015.
gnomAD v4.1: 36 of 1,614,012 alleles (0.0022%); highest among the groups gnomAD compares: Non-Finnish European, 0.00025%; no homozygotes.

Submission:

Labcorp Genetics (formerly Invitae), Labcorp
Classification: Uncertain significance. Last evaluated: 2022-07-11. Review status: criteria provided, single submitter. Criteria: Invitae Variant Classification Sherloc (09022015). Collection method: clinical testing. Allele origin: germline.
Comment: This sequence change replaces asparagine, which is neutral and polar, with serine, which is neutral and polar, at codon 3610 of the DNAH9 protein (p.Asn3610Ser). This variant is present in population databases (rs139592430, gnomAD 0.1%). This variant has not been reported in the literature in individuals affected with DNAH9-related conditions. Algorithms developed to predict the effect of missense changes on protein structure and function are either unavailable or do not agree on the potential impact of this missense change (SIFT: "Deleterious"; PolyPhen-2: "Probably Damaging"; Align-GVGD: "Class C0"). In summary, the available evidence is currently insufficient to determine the role of this variant in disease. Therefore, it has been classified as a Variant of Uncertain Significance.

NM_001372.4(DNAH9):c.10829A>G (p.Asn3610Ser)

Genes: DNAH9 (dynein axonemal heavy chain 9; plus strand), LOC101928350 (uncharacterized LOC101928350; minus strand). Cytogenetic location: 17p12.
Variant type: single nucleotide variant.
Coding change: c.10829A>G on transcript NM_001372.4 (MANE Select); coding-DNA position 10829, A replaced by G.
Protein change: p.Asn3610Ser; replaces asparagine 3610 with serine.
Molecular consequence: missense variant. On other transcripts: 5 prime UTR variant (1).
Genome position (GRCh38, 1-based): chr17:11,883,608, A>G. VCF-style: chr17-11883608-A-G. GRCh37 (hg19) VCF-style: chr17-11786925-A-G.
Other names: c.-236A>G (NM_004662.2); short protein forms N3610S.
Identifiers: ClinVar variation 2196538 (VCV002196538.1), dbSNP rs139592430, ClinGen allele CA8397651.